The following is an entry in ClinVar:

ClinVar aggregate classification (germline): Uncertain significance. Review status: criteria provided, multiple submitters, no conflicts (2 of 4 stars). 2 submissions from 2 submitters: Uncertain significance (2). Last evaluated 2025-03-14.

Conditions:
Tuberous sclerosis 2 (TSC2). Identifiers: Orphanet 805, MedGen C1860707, MONDO:0013199, OMIM 613254.
Lymphangiomyomatosis (LAM). Also called: Lymphangioleiomyomatosis; Lymphangioleiomyomatosis, somatic. Identifiers: Orphanet 538, MedGen C0751674, MONDO:0011705, OMIM 606690.

gnomAD v4.1: 1 of 1,588,290 alleles (0.000063%); highest among the groups gnomAD compares: Non-Finnish European, 0.000086%; no homozygotes.

Submissions (2):

Clinical Genomics Laboratory, Washington University in St. Louis
Classification: Uncertain significance for Lymphangiomyomatosis. Last evaluated: 2025-03-14. Review status: criteria provided, single submitter. Criteria: Leon-Quintero et al. (Clin Genet. 2025). Collection method: clinical testing. Allele origin: somatic.
Comment: A TSC2 c.869C>T (p.Pro290Leu) variant was identified at an allelic fraction consistent with somatic origin. To our knowledge, this variant has not been reported in the medical literature. It has been reported in the ClinVar database as a germline variant of uncertain significance in tuberous sclerosis 2 by a single submitter (ClinVar ID 1468326). The TSC2 c.869C>T (p.Pro290Leu) variant is only observed in 1/1,588,290 alleles in the general population (gnomAD v4.1.0), indicating it is not a common variant. This variant resides within the TSC1 binding domain region, amino acids 1-418, of TSC2 that is defined as a critical functional domain (MacKeigan JP et al., PMID: 26289591; Napolioni V et al., PMID: 19506736). Computational predictors are uncertain as to the impact of this variant on TSC2 function. Due to limited information, and based on an internally developed protocol informed by the ACMG/AMP guidelines (Leon-Quintero FZ, et al., PMID: 39434542) and gene-specific practices from the ClinGen Criteria Specification Registry, the clinical significance of the TSC2 c.869C>T (p.Pro290Leu) is uncertain at this time.

Labcorp Genetics (formerly Invitae), Labcorp
Classification: Uncertain significance for Tuberous sclerosis 2. Last evaluated: 2024-10-20. Review status: criteria provided, single submitter. Criteria: Invitae Variant Classification Sherloc (09022015). Collection method: clinical testing. Allele origin: germline.
Comment: This sequence change replaces proline, which is neutral and non-polar, with leucine, which is neutral and non-polar, at codon 290 of the TSC2 protein (p.Pro290Leu). This variant is not present in population databases (gnomAD no frequency). This variant has not been reported in the literature in individuals affected with TSC2-related conditions. ClinVar contains an entry for this variant (Variation ID: 1468326). Invitae Evidence Modeling of protein sequence and biophysical properties (such as structural, functional, and spatial information, amino acid conservation, physicochemical variation, residue mobility, and thermodynamic stability) indicates that this missense variant is not expected to disrupt TSC2 protein function with a negative predictive value of 95%. In summary, the available evidence is currently insufficient to determine the role of this variant in disease. Therefore, it has been classified as a Variant of Uncertain Significance.

NM_000548.5(TSC2):c.869C>T (p.Pro290Leu)

Gene: TSC2 (TSC complex subunit 2; plus strand). Cytogenetic location: 16p13.3.
Variant type: single nucleotide variant.
Coding change: c.869C>T on transcript NM_000548.5 (MANE Select); coding-DNA position 869, C replaced by T.
Protein change: p.Pro290Leu; replaces proline 290 with leucine.
Molecular consequence: missense variant.
Genome position (GRCh38, 1-based): chr16:2,058,767, C>T. VCF-style: chr16-2058767-C-T. GRCh37 (hg19) VCF-style: chr16-2108768-C-T.
Other names: c.869C>T, p.Pro290Leu (NM_001077183.3, NM_001114382.3, NM_001363528.2 and 3 more transcripts); c.758C>T, p.Pro253Leu (NM_001318827.2); c.722C>T, p.Pro241Leu (NM_001318829.2); c.269C>T, p.Pro90Leu (NM_001318831.2); c.902C>T, p.Pro301Leu (NM_001318832.2); short protein forms P290L, P90L, P241L, P253L, P301L.
Identifiers: ClinVar variation 1468326 (VCV001468326.9), dbSNP rs2151106083, ClinGen allele CA394315044.